The following is an entry in ClinVar:

ClinVar aggregate classification (germline): Uncertain significance (1 of 4 stars; one submission).

Allele frequency attached by ClinVar (database versions not stated): TOPMed 0.00001.

Submission:

Labcorp Genetics (formerly Invitae), Labcorp
Classification: Uncertain significance. Last evaluated: 2022-04-28. Review status: criteria provided, single submitter. Criteria: Invitae Variant Classification Sherloc (09022015). Collection method: clinical testing. Allele origin: germline.
Comment: This sequence change replaces glutamic acid, which is acidic and polar, with alanine, which is neutral and non-polar, at codon 177 of the HMX1 protein (p.Glu177Ala). This variant is not present in population databases (gnomAD no frequency). This variant has not been reported in the literature in individuals affected with HMX1-related conditions. Algorithms developed to predict the effect of missense changes on protein structure and function output the following: SIFT: "Tolerated"; PolyPhen-2: "Benign"; Align-GVGD: "Class C0". The alanine amino acid residue is found in multiple mammalian species, which suggests that this missense change does not adversely affect protein function. In summary, the available evidence is currently insufficient to determine the role of this variant in disease. Therefore, it has been classified as a Variant of Uncertain Significance.

NM_018942.3(HMX1):c.530A>C (p.Glu177Ala)

Gene: HMX1 (H6 family homeobox 1; minus strand). Cytogenetic location: 4p16.1.
Variant type: single nucleotide variant.
Coding change: c.530A>C on transcript NM_018942.3 (MANE Select); coding-DNA position 530, A replaced by C.
Protein change: p.Glu177Ala; replaces glutamic acid 177 with alanine.
Molecular consequence: missense variant. On other transcripts: intron variant (1).
Genome position (GRCh38, 1-based): chr4:8,868,210, T>G on the plus strand (A>C on the coding strand, the complement: HMX1 is on the minus strand). VCF-style: chr4-8868210-T-G. GRCh37 (hg19) VCF-style: chr4-8869936-T-G.
Other names: c.394+3011A>C (NM_001306142.2); short protein forms E177A.
Identifiers: ClinVar variation 2074597 (VCV002074597.4), dbSNP rs545524843, ClinGen allele CA356278372.